The following is an entry in ClinVar:

NM_033026.6(PCLO):c.2903C>T (p.Pro968Leu)

Gene: PCLO (piccolo presynaptic cytomatrix protein; minus strand). Cytogenetic location: 7q21.11.
Variant type: single nucleotide variant.
Coding change: c.2903C>T on transcript NM_033026.6 (MANE Select); coding-DNA position 2903, C replaced by T.
Protein change: p.Pro968Leu; replaces proline 968 with leucine.
Molecular consequence: missense variant.
Genome position (GRCh38, 1-based): chr7:83,134,647, G>A on the plus strand (C>T on the coding strand, the complement: PCLO is on the minus strand). VCF-style: chr7-83134647-G-A. GRCh37 (hg19) VCF-style: chr7-82763963-G-A.
Other names: c.2903C>T, p.Pro968Leu (NM_014510.3); short protein forms P968L.
Identifiers: ClinVar variation 1475539 (VCV001475539.6), dbSNP rs1272412876, ClinGen allele CA367898399.

ClinVar aggregate classification (germline): Uncertain significance (1 of 4 stars; one submission).

gnomAD v4.1: 1 of 1,613,872 alleles (0.000062%); highest among the groups gnomAD compares: African/African-American, 0.0013%; no homozygotes.

Submission:

Labcorp Genetics (formerly Invitae), Labcorp
Classification: Uncertain significance. Last evaluated: 2021-08-25. Review status: criteria provided, single submitter. Criteria: Invitae Variant Classification Sherloc (09022015). Collection method: clinical testing. Allele origin: germline.
Comment: In summary, the available evidence is currently insufficient to determine the role of this variant in disease. Therefore, it has been classified as a Variant of Uncertain Significance. Algorithms developed to predict the effect of missense changes on protein structure and function are either unavailable or do not agree on the potential impact of this missense change (SIFT: "Tolerated"; PolyPhen-2: "Not Available"; Align-GVGD: "Class C0"). This variant has not been reported in the literature in individuals affected with PCLO-related conditions. This variant is not present in population databases (ExAC no frequency). This sequence change replaces proline with leucine at codon 968 of the PCLO protein (p.Pro968Leu). The proline residue is moderately conserved and there is a moderate physicochemical difference between proline and leucine.